The following is an entry in ClinVar:

NM_004370.6(COL12A1):c.1673G>C (p.Arg558Thr)

Gene: COL12A1 (collagen type XII alpha 1 chain; minus strand). Cytogenetic location: 6q13.
Variant type: single nucleotide variant.
Coding change: c.1673G>C on transcript NM_004370.6 (MANE Select); coding-DNA position 1673, G replaced by C.
Protein change: p.Arg558Thr; replaces arginine 558 with threonine.
Molecular consequence: missense variant. On other transcripts: intron variant (2).
Genome position (GRCh38, 1-based): chr6:75,183,268, C>G on the plus strand (G>C on the coding strand, the complement: COL12A1 is on the minus strand). VCF-style: chr6-75183268-C-G. GRCh37 (hg19) VCF-style: chr6-75892984-C-G.
Other names: p.Arg558Thr; c.1673G>C, p.Arg558Thr (NM_001424113.1, NM_001424114.1, NM_001424115.1); c.73+19452G>C (NM_001424116.1, NM_080645.3); c.1673G>C (NM_004370.5); short protein forms R558T.
Identifiers: ClinVar variation 2682939 (VCV002682939.5), dbSNP rs905109585, ClinGen allele CA141029495.

ClinVar aggregate classification (germline): Uncertain significance. Review status: criteria provided, multiple submitters, no conflicts (2 of 4 stars). 3 submissions from 3 submitters: Uncertain significance (3). Last evaluated 2025-09-21.

Conditions:
Inborn genetic diseases. Identifiers: MedGen C0950123, MeSH D030342.
Ullrich congenital muscular dystrophy 2 (UCMD2). Identifiers: Orphanet 75840, MedGen C4225314, MONDO:0014654, OMIM 616470.
Bethlem myopathy 2 (BTHLM2). Identifiers: Orphanet 536516, Orphanet 610, MedGen C4225313, MONDO:0034022, OMIM 616471.

Allele frequency attached by ClinVar (database versions not stated): gnomAD 0.00001; gnomAD exomes below 0.00001; TOPMed 0.00001.

Submissions (3):

Labcorp Genetics (formerly Invitae), Labcorp
Classification: Uncertain significance for Bethlem myopathy 2; Ullrich congenital muscular dystrophy 2. Last evaluated: 2025-09-21. Review status: criteria provided, single submitter. Criteria: Invitae Variant Classification Sherloc (09022015). Collection method: clinical testing. Allele origin: germline.
Comment: This sequence change replaces arginine, which is basic and polar, with threonine, which is neutral and polar, at codon 558 of the COL12A1 protein (p.Arg558Thr). This variant is present in population databases (no rsID available, gnomAD 0.0009%). This variant has not been reported in the literature in individuals affected with COL12A1-related conditions. ClinVar contains an entry for this variant (Variation ID: 2682939). Invitae Evidence Modeling of protein sequence and biophysical properties (such as structural, functional, and spatial information, amino acid conservation, physicochemical variation, residue mobility, and thermodynamic stability) indicates that this missense variant is not expected to disrupt COL12A1 protein function with a negative predictive value of 80%. In summary, the available evidence is currently insufficient to determine the role of this variant in disease. Therefore, it has been classified as a Variant of Uncertain Significance.

Ambry Genetics
Classification: Uncertain significance for Inborn genetic diseases. Last evaluated: 2024-04-12. Review status: criteria provided, single submitter. Criteria: Ambry Variant Classification Scheme 2023. Collection method: clinical testing. Allele origin: germline.

Mayo Clinic Laboratories, Mayo Clinic
Classification: Uncertain significance. Last evaluated: 2023-06-07. Review status: criteria provided, single submitter. Criteria: ACMG Guidelines, 2015. Collection method: clinical testing. Allele origin: germline. Observed: 1 variant allele.
Comment: PM2_supporting